The following is an entry in ClinVar:

ClinVar aggregate classification (germline): Pathogenic (1 of 4 stars; one submission).

Conditions:
Hereditary cancer-predisposing syndrome. Also called: Tumor predisposition; Hereditary neoplastic syndrome; Neoplastic Syndromes, Hereditary; Hereditary Cancer Syndrome. Identifiers: Orphanet 140162, MedGen C0027672, MeSH D009386, MONDO:0015356.

Submission:

Color Diagnostics, LLC DBA Color Health
Classification: Pathogenic for Hereditary cancer-predisposing syndrome. Last evaluated: 2020-09-01. Review status: criteria provided, single submitter. Criteria: ACMG Guidelines, 2015. Collection method: clinical testing. Allele origin: germline.
Comment: This variant replaces 3 consecutive nucleotides in exon 41 of the ATM gene with 29 novel nucleotides, creating a frameshift and premature translation stop signal. This variant is expected to result in an absent or non-functional protein product. To our knowledge, functional studies have not been reported for this variant. This variant has not been reported in individuals affected with hereditary cancer in the literature. This variant has not been identified in the general population by the Genome Aggregation Database (gnomAD). Loss of ATM function is a known mechanism of disease. Based on the available evidence, this variant is classified as Pathogenic.

NM_000051.4(ATM):c.6044_6046delinsTTATACTTCTCTTAGAAATCTACAGAAGT (p.Pro2015fs)

Genes: ATM (ATM serine/threonine kinase; plus strand), C11orf65 (chromosome 11 open reading frame 65; minus strand). Cytogenetic location: 11q22.3.
Variant type: Indel.
Coding change: c.6044_6046delinsTTATACTTCTCTTAGAAATCTACAGAAGT on transcript NM_000051.4 (MANE Select); coding-DNA positions 6044 to 6046, CAG replaced by TTATACTTCTCTTAGAAATCTACAGAAGT.
Protein change: p.Pro2015fs; shifts the reading frame from proline 2015.
Molecular consequence: frameshift variant. On other transcripts: intron variant (2).
Genome position (GRCh38, 1-based): chr11:108,315,860-108,315,862, CAG replaced by TTATACTTCTCTTAGAAATCTACAGAAGT. VCF-style: chr11-108315860-CAG-TTATACTTCTCTTAGAAATCTACAGAAGT. GRCh37 (hg19) VCF-style: chr11-108186587-CAG-TTATACTTCTCTTAGAAATCTACAGAAGT.
Other names: c.6044_6046delinsTTATACTTCTCTTAGAAATCTACAGAAGT, p.Pro2015fs (NM_001351834.2); c.641-6791_641-6789delinsACTTCTGTAGATTTCTAAGAGAAGTATAA (NM_001330368.2); c.*39-6791_*39-6789delinsACTTCTGTAGATTTCTAAGAGAAGTATAA (NM_001351110.2); short protein forms P2015fs.
Identifiers: ClinVar variation 631165 (VCV000631165.5), dbSNP rs1565498886, ClinGen allele CA913188506.
Genomic context (GRCh38, chr11:108,315,860, plus strand): 5'-TTTTGTTGTTTCCATGTTTTCAGGATCTTCTCTTAGAAATCTACAGAAGTATAGGGGAGC[CAG>TTATACTTCTCTTAGAAATCTACAGAAGT]ATAGTTTGTATGGCTGTGGTGGAGGGAAGATGTTACAACCCATTACTAGGTAAATTGCAT-3'